The following is an entry in ClinVar:

NM_000136.3(FANCC):c.478G>C (p.Glu160Gln)

Gene: FANCC (FA complementation group C; minus strand). Cytogenetic location: 9q22.32.
Variant type: single nucleotide variant.
Coding change: c.478G>C on transcript NM_000136.3 (MANE Select); coding-DNA position 478, G replaced by C.
Protein change: p.Glu160Gln; replaces glutamic acid 160 with glutamine.
Molecular consequence: missense variant.
Genome position (GRCh38, 1-based): chr9:95,171,122, C>G on the plus strand (G>C on the coding strand, the complement: FANCC is on the minus strand). VCF-style: chr9-95171122-C-G. GRCh37 (hg19) VCF-style: chr9-97933404-C-G.
Other names: c.478G>C, p.Glu160Gln (NM_001243743.2, NM_001243744.2); short protein forms E160Q.
Identifiers: ClinVar variation 1743099 (VCV001743099.2), dbSNP rs1233503754, ClinGen allele CA374338635.

ClinVar aggregate classification (germline): Uncertain significance (1 of 4 stars; one submission).

Conditions:
Hereditary cancer-predisposing syndrome. Also called: Hereditary Cancer Syndrome; Neoplastic Syndromes, Hereditary; Tumor predisposition; Hereditary neoplastic syndrome. Identifiers: Orphanet 140162, MedGen C0027672, MeSH D009386, MONDO:0015356.

Submission:

Ambry Genetics
Classification: Uncertain significance for Hereditary cancer-predisposing syndrome. Last evaluated: 2021-05-21. Review status: criteria provided, single submitter. Criteria: Ambry Variant Classification Scheme 2023. Collection method: clinical testing. Allele origin: germline.
Comment: The p.E160Q variant (also known as c.478G>C), located in coding exon 5 of the FANCC gene, results from a G to C substitution at nucleotide position 478. The glutamic acid at codon 160 is replaced by glutamine, an amino acid with highly similar properties. This amino acid position is highly conserved in available vertebrate species. In addition, the in silico prediction for this alteration is inconclusive. Since supporting evidence is limited at this time, the clinical significance of this alteration remains unclear.